The following is an entry in ClinVar:

ClinVar aggregate classification (germline): Uncertain significance (1 of 4 stars; one submission).

Conditions:
Nemaline myopathy 6 (NEM6). Also called: Nemaline myopathy 6, autosomal dominant. Identifiers: Orphanet 171439, MedGen C1836472, MONDO:0012237, OMIM 609273.

Allele frequency attached by ClinVar (database versions not stated): gnomAD exomes below 0.00001 and 0.00001; gnomAD 0.00002; TOPMed 0.00002.
gnomAD v4.1: 4 of 1,545,904 alleles (0.00026%); highest among the groups gnomAD compares: African/African-American, 0.0055%; no homozygotes.

Submission:

Labcorp Genetics (formerly Invitae), Labcorp
Classification: Uncertain significance for Nemaline myopathy 6. Last evaluated: 2021-04-17. Review status: criteria provided, single submitter. Criteria: Invitae Variant Classification Sherloc (09022015). Collection method: clinical testing. Allele origin: germline.
Comment: This sequence change replaces glycine with alanine at codon 446 of the KBTBD13 protein (p.Gly446Ala). The glycine residue is moderately conserved and there is a small physicochemical difference between glycine and alanine. The frequency data for this variant in the population databases is considered unreliable, as metrics indicate insufficient coverage at this position in the ExAC database. This variant has not been reported in the literature in individuals with KBTBD13-related conditions. Algorithms developed to predict the effect of missense changes on protein structure and function are either unavailable or do not agree on the potential impact of this missense change (SIFT: "Deleterious"; PolyPhen-2: "Benign"; Align-GVGD: "Class C0"). In summary, the available evidence is currently insufficient to determine the role of this variant in disease. Therefore, it has been classified as a Variant of Uncertain Significance.

NM_001101362.3(KBTBD13):c.1337G>C (p.Gly446Ala)

Gene: KBTBD13 (kelch repeat and BTB domain containing 13; plus strand). Cytogenetic location: 15q22.31.
Variant type: single nucleotide variant.
Coding change: c.1337G>C on transcript NM_001101362.3 (MANE Select); coding-DNA position 1337, G replaced by C.
Protein change: p.Gly446Ala; replaces glycine 446 with alanine.
Molecular consequence: missense variant.
Genome position (GRCh38, 1-based): chr15:65,078,152, G>C. VCF-style: chr15-65078152-G-C. GRCh37 (hg19) VCF-style: chr15-65370490-G-C.
Other names: short protein forms G446A.
Identifiers: ClinVar variation 1479478 (VCV001479478.8), dbSNP rs976528181, ClinGen allele CA271505003.